The following is an entry in ClinVar:

NM_002637.4(PHKA1):c.2215C>T (p.Arg739Ter)

Gene: PHKA1 (phosphorylase kinase regulatory subunit alpha 1; minus strand). Cytogenetic location: Xq13.1.
Variant type: single nucleotide variant.
Coding change: c.2215C>T on transcript NM_002637.4 (MANE Select); coding-DNA position 2215, C replaced by T.
Protein change: p.Arg739Ter; replaces arginine 739 with a stop codon.
Molecular consequence: nonsense.
Genome position (GRCh38, 1-based): chrX:72,619,228, G>A on the plus strand (C>T on the coding strand, the complement: PHKA1 is on the minus strand). VCF-style: chrX-72619228-G-A. GRCh37 (hg19) VCF-style: chrX-71839078-G-A.
Other names: c.2215C>T, p.Arg739Ter (NM_001122670.2); c.2038C>T, p.Arg680Ter (NM_001172436.2); short protein forms R680*, R739*.
Identifiers: ClinVar variation 1211358 (VCV001211358.4), dbSNP rs1197978742, ClinGen allele CA413590698.

ClinVar aggregate classification (germline): Likely pathogenic. Review status: criteria provided, multiple submitters, no conflicts (2 of 4 stars). 2 submissions from 2 submitters: Likely pathogenic (2). Last evaluated 2023-12-11.

Conditions:
Glycogen storage disease IXd (GSD9D). Also called: GSD IXd; Muscle Phosphorylase Kinase Deficiency. Identifiers: Orphanet 715, MedGen C1845151, MONDO:0010362, OMIM 300559.

Allele frequency attached by ClinVar (database versions not stated): gnomAD exomes 0.00001.
gnomAD v4.1: 6 of 1,178,742 alleles (0.00051%); highest among the groups gnomAD compares: South Asian, 0.0018%; no homozygotes.

Submissions (2):

Revvity Omics, Revvity
Classification: Likely pathogenic for Glycogen storage disease IXd. Last evaluated: 2023-12-11. Review status: criteria provided, single submitter. Criteria: ACMG Guidelines, 2015. Collection method: clinical testing. Allele origin: germline.

GeneDx
Classification: Likely pathogenic. Last evaluated: 2019-05-18. Review status: criteria provided, single submitter. Criteria: GeneDx Variant Classification Process June 2021. Collection method: clinical testing. Allele origin: germline. Affected: yes.
Comment: Nonsense variant predicted to result in protein truncation or nonsense mediated decay in a gene for which loss-of-function is a known mechanism of disease; Not observed at a significant frequency in large population cohorts (Lek et al., 2016); Has not been previously published as pathogenic or benign to our knowledge